The following is an entry in ClinVar:

ClinVar aggregate classification (germline): Conflicting classifications of pathogenicity. Review status: criteria provided, conflicting classifications (1 of 4 stars). 3 submissions from 3 submitters: Uncertain significance (2); Benign (1). Last evaluated 2025-11-25.

Conditions:
Hereditary cancer-predisposing syndrome. Also called: Tumor predisposition; Hereditary neoplastic syndrome; Neoplastic Syndromes, Hereditary; Hereditary Cancer Syndrome. Identifiers: Orphanet 140162, MedGen C0027672, MeSH D009386, MONDO:0015356.
BAP1-related tumor predisposition syndrome (TPDS1). Also called: Tumor susceptibility linked to germline BAP1 mutations; TUMOR PREDISPOSITION SYNDROME 1; COMMON Syndrome; BAP1 tumor predisposition syndrome. Identifiers: Orphanet 289539, MedGen C3280492, MONDO:0013692, OMIM 614327.

Allele frequency attached by ClinVar (database versions not stated): gnomAD exomes below 0.00001; ExAC 0.00001.

Submissions (3):

Labcorp Genetics (formerly Invitae), Labcorp
Classification: Uncertain significance for BAP1-related tumor predisposition syndrome. Last evaluated: 2025-11-25. Review status: criteria provided, single submitter. Criteria: Invitae Variant Classification Sherloc (09022015). Collection method: clinical testing. Allele origin: germline.
Comment: This sequence change replaces alanine, which is neutral and non-polar, with threonine, which is neutral and polar, at codon 303 of the BAP1 protein (p.Ala303Thr). This variant is not present in population databases (gnomAD no frequency). This variant has not been reported in the literature in individuals affected with BAP1-related conditions. ClinVar contains an entry for this variant (Variation ID: 950505). Invitae Evidence Modeling of protein sequence and biophysical properties (such as structural, functional, and spatial information, amino acid conservation, physicochemical variation, residue mobility, and thermodynamic stability) indicates that this missense variant is not expected to disrupt BAP1 protein function with a negative predictive value of 80%. In summary, the available evidence is currently insufficient to determine the role of this variant in disease. Therefore, it has been classified as a Variant of Uncertain Significance.

Ambry Genetics
Classification: Benign for Hereditary cancer-predisposing syndrome. Last evaluated: 2025-08-28. Review status: criteria provided, single submitter. Criteria: Ambry Variant Classification Scheme 2023. Collection method: clinical testing. Allele origin: germline.

Baylor Genetics
Classification: Uncertain significance for BAP1-related tumor predisposition syndrome. Last evaluated: 2023-05-30. Review status: criteria provided, single submitter. Criteria: ACMG Guidelines, 2015. Collection method: clinical testing. Allele origin: unknown.

Literature cited by the submitters: PubMed 38969833 (cited by Ambry Genetics).

NM_004656.4(BAP1):c.907G>A (p.Ala303Thr)

Gene: BAP1 (BRCA1 associated deubiquitinase 1; minus strand). Cytogenetic location: 3p21.1.
Variant type: single nucleotide variant.
Coding change: c.907G>A on transcript NM_004656.4 (MANE Select); coding-DNA position 907, G replaced by A.
Protein change: p.Ala303Thr; replaces alanine 303 with threonine.
Molecular consequence: missense variant.
Genome position (GRCh38, 1-based): chr3:52,405,789, C>T on the plus strand (G>A on the coding strand, the complement: BAP1 is on the minus strand). VCF-style: chr3-52405789-C-T. GRCh37 (hg19) VCF-style: chr3-52439805-C-T.
Other names: c.907G>A (NM_004656.2); short protein forms A303T.
Identifiers: ClinVar variation 950505 (VCV000950505.10), dbSNP rs754740693, ClinGen allele CA2436976.